The following is an entry in ClinVar:

ClinVar aggregate classification (germline): Uncertain significance (1 of 4 stars; one submission).

Conditions:
Bardet-Biedl syndrome 16 (BBS16). Identifiers: Orphanet 110, MedGen C3889474, MONDO:0014444, OMIM 615993.
Senior-Loken syndrome 7 (SLSN7). Identifiers: Orphanet 3156, MedGen C3150877, MONDO:0013326, OMIM 613615.

Submission:

Labcorp Genetics (formerly Invitae), Labcorp
Classification: Uncertain significance for Bardet-Biedl syndrome 16; Senior-Loken syndrome 7. Last evaluated: 2020-12-22. Review status: criteria provided, single submitter. Criteria: Invitae Variant Classification Sherloc (09022015). Collection method: clinical testing. Allele origin: germline.
Comment: In summary, the available evidence is currently insufficient to determine the role of this variant in disease. Therefore, it has been classified as a Variant of Uncertain Significance. Algorithms developed to predict the effect of missense changes on protein structure and function output the following: SIFT: "Tolerated"; PolyPhen-2: "Benign"; Align-GVGD: "Class C0". The valine amino acid residue is found in multiple mammalian species, suggesting that this missense change does not adversely affect protein function. These predictions have not been confirmed by published functional studies and their clinical significance is uncertain. This variant has not been reported in the literature in individuals with SDCCAG8-related conditions. This variant is not present in population databases (ExAC no frequency). This sequence change replaces isoleucine with valine at codon 613 of the SDCCAG8 protein (p.Ile613Val). The isoleucine residue is weakly conserved and there is a small physicochemical difference between isoleucine and valine.

NM_006642.5(SDCCAG8):c.1837A>G (p.Ile613Val)

Gene: SDCCAG8 (SHH signaling and ciliogenesis regulator SDCCAG8; plus strand). Cytogenetic location: 1q43.
Variant type: single nucleotide variant.
Coding change: c.1837A>G on transcript NM_006642.5 (MANE Select); coding-DNA position 1837, A replaced by G.
Protein change: p.Ile613Val; replaces isoleucine 613 with valine.
Molecular consequence: missense variant.
Genome position (GRCh38, 1-based): chr1:243,418,060, A>G. VCF-style: chr1-243418060-A-G. GRCh37 (hg19) VCF-style: chr1-243581362-A-G.
Other names: c.934A>G, p.Ile312Val (NM_001350246.2, NM_001350247.2, NM_001350251.2); c.1933A>G, p.Ile645Val (NM_001350248.2); c.1543A>G, p.Ile515Val (NM_001350249.2); short protein forms I515V, I613V, I312V, I645V.
Identifiers: ClinVar variation 1465059 (VCV001465059.8), dbSNP rs2148018705, ClinGen allele CA345667584.